The following is an entry in ClinVar:

NM_000116.5(TAFAZZIN):c.254G>A (p.Arg85His)

Gene: TAFAZZIN (tafazzin, phospholipid-lysophospholipid transacylase; plus strand). Cytogenetic location: Xq28.
Variant type: single nucleotide variant.
Coding change: c.254G>A on transcript NM_000116.5 (MANE Select); coding-DNA position 254, G replaced by A.
Protein change: p.Arg85His; replaces arginine 85 with histidine.
Molecular consequence: missense variant. On other transcripts: non-coding transcript variant (1).
Genome position (GRCh38, 1-based): chrX:154,413,222, G>A. VCF-style: chrX-154413222-G-A. GRCh37 (hg19) VCF-style: chrX-153641559-G-A.
Other names: c.308G>A, p.Arg103His (NM_001303465.2); c.254G>A, p.Arg85His (NM_181311.4, NM_181312.4, NM_181313.4); short protein forms R103H, R85H.
Identifiers: ClinVar variation 1285032 (VCV001285032.5), dbSNP rs782196269, ClinGen allele CA10562296.

ClinVar aggregate classification (germline): Uncertain significance. Review status: criteria provided, single submitter (1 of 4 stars). 3 submissions from 3 submitters: Uncertain significance (1). 2 of the submissions do not count toward it. Last evaluated 2025-11-13.

Conditions:
3-Methylglutaconic aciduria type 2 (BTHS). Also called: Barth syndrome; CARDIOSKELETAL MYOPATHY WITH NEUTROPENIA AND ABNORMAL MITOCHONDRIA. Identifiers: Orphanet 111, MedGen C0574083, MONDO:0010543, OMIM 302060.

Allele frequency attached by ClinVar (database versions not stated): ExAC 0.00001; gnomAD exomes 0.00001; TOPMed 0.00001; gnomAD 0.00002.

Submissions (3):

Labcorp Genetics (formerly Invitae), Labcorp
Classification: Uncertain significance for 3-Methylglutaconic aciduria type 2. Last evaluated: 2025-11-13. Review status: criteria provided, single submitter. Criteria: Invitae Variant Classification Sherloc (09022015). Collection method: clinical testing. Allele origin: germline.
Comment: This sequence change replaces arginine, which is basic and polar, with histidine, which is basic and polar, at codon 85 of the TAZ protein (p.Arg85His). This variant is present in population databases (rs782196269, gnomAD 0.008%). This variant has not been reported in the literature in individuals affected with TAZ-related conditions. ClinVar contains an entry for this variant (Variation ID: 1285032). An algorithm developed to predict the effect of missense changes on protein structure and function (PolyPhen-2) suggests that this variant is likely to be disruptive. In summary, the available evidence is currently insufficient to determine the role of this variant in disease. Therefore, it has been classified as a Variant of Uncertain Significance.

Clinical Genetics DNA and cytogenetics Diagnostics Lab, Erasmus MC, Erasmus Medical Center
Classification: Uncertain significance. Review status: no assertion criteria provided. Collection method: clinical testing. Allele origin: germline. Affected: yes. Study: VKGL Data-share Consensus. Not counted in ClinVar's aggregate classification.

Genome Diagnostics Laboratory, University Medical Center Utrecht
Classification: Uncertain significance. Review status: no assertion criteria provided. Collection method: clinical testing. Allele origin: germline. Affected: yes. Study: VKGL Data-share Consensus. Not counted in ClinVar's aggregate classification.